The following is an entry in ClinVar:

ClinVar aggregate classification (germline): Benign (1 of 4 stars; one submission).

Allele frequency attached by ClinVar (database versions not stated): 1000 Genomes Project 30x 0.24922; TOPMed 0.23990; 1000 Genomes Project 0.25140.

Submission:

GeneDx
Classification: Benign. Last evaluated: 2018-06-19. Review status: criteria provided, single submitter. Criteria: GeneDx Variant Classification (06012015). Collection method: clinical testing. Allele origin: germline. Affected: yes.
Comment: This variant is considered likely benign or benign based on one or more of the following criteria: it is a conservative change, it occurs at a poorly conserved position in the protein, it is predicted to be benign by multiple in silico algorithms, and/or has population frequency not consistent with disease.

NM_033337.2(CAV3):c.-410C>T

Gene: CAV3 (caveolin 3; plus strand). Cytogenetic location: 3p25.3.
Variant type: single nucleotide variant.
Coding change: c.-410C>T on transcript NM_033337.2; 410 bases upstream of the start codon, C replaced by T.
Genome position (GRCh38, 1-based): chr3:8,733,467, C>T. VCF-style: chr3-8733467-C-T. GRCh37 (hg19) VCF-style: chr3-8775153-C-T.
Identifiers: ClinVar variation 683301 (VCV000683301.3), dbSNP rs2072581, ClinGen allele CA11601758.
Genomic context (GRCh38, chr3:8,733,467, plus strand): 5'-TGTGCCAAAGGTCACACAGCCAGCCAGAGGCAGAGGAGGGACTAACCCCACTTCCCTCCA[C>T]GGGCAGTGCACCCCAAAGGAGCCAAAATGCTGACAGCAGTGGGGCAAATTCCAGGGGCCC-3'